The following is an entry in ClinVar:

ClinVar aggregate classification (germline): Uncertain significance. Review status: criteria provided, multiple submitters, no conflicts (2 of 4 stars). 7 submissions from 7 submitters: Uncertain significance (5). 2 of the submissions do not count toward it. Last evaluated 2026-05-25.

Conditions:
Alstrom syndrome (ALMS). Identifiers: Orphanet 64, MedGen C0268425, MONDO:0008763, OMIM 203800.
Cardiovascular phenotype. Identifiers: MedGen CN230736.

Allele frequency attached by ClinVar (database versions not stated): gnomAD 0.00008; gnomAD exomes 0.00003 and 0.00002; ExAC 0.00003; TOPMed 0.00012; 1000 Genomes Project 30x 0.00016; ESP Exome Variant Server 0.00017; 1000 Genomes Project 0.00020.
gnomAD v4.1: 41 of 1,614,076 alleles (0.0025%); highest among the groups gnomAD compares: African/African-American, 0.025%; no homozygotes.

Submissions (7):

Women's Health and Genetics/Laboratory Corporation of America, LabCorp
Classification: Uncertain significance. Last evaluated: 2026-05-25. Review status: criteria provided, single submitter. Criteria: LabCorp Variant Classification Summary - May 2015. Collection method: clinical testing. Allele origin: germline.

Ambry Genetics
Classification: Uncertain significance for Cardiovascular phenotype. Last evaluated: 2025-04-02. Review status: criteria provided, single submitter. Criteria: Ambry Variant Classification Scheme 2023. Collection method: clinical testing. Allele origin: germline.
Comment: The p.E3167K variant (also known as c.9499G>A), located in coding exon 10 of the ALMS1 gene, results from a G to A substitution at nucleotide position 9499. The glutamic acid at codon 3167 is replaced by lysine, an amino acid with similar properties. This amino acid position is highly conserved in available vertebrate species. In addition, the in silico prediction for this alteration is inconclusive. Based on the available evidence, the clinical significance of this variant remains unclear.

GeneDx
Classification: Uncertain significance. Last evaluated: 2023-02-17. Review status: criteria provided, single submitter. Criteria: GeneDx Variant Classification Process June 2021. Collection method: clinical testing. Allele origin: germline. Affected: yes.
Comment: Has not been previously published as pathogenic or benign to our knowledge; In silico analysis supports that this missense variant does not alter protein structure/function

Labcorp Genetics (formerly Invitae), Labcorp
Classification: Uncertain significance for Alstrom syndrome. Last evaluated: 2022-10-03. Review status: criteria provided, single submitter. Criteria: Invitae Variant Classification Sherloc (09022015). Collection method: clinical testing. Allele origin: germline.
Comment: This sequence change replaces glutamic acid, which is acidic and polar, with lysine, which is basic and polar, at codon 3167 of the ALMS1 protein (p.Glu3167Lys). This variant is present in population databases (rs201208516, gnomAD 0.03%). This variant has not been reported in the literature in individuals affected with ALMS1-related conditions. ClinVar contains an entry for this variant (Variation ID: 553561). In summary, the available evidence is currently insufficient to determine the role of this variant in disease. Therefore, it has been classified as a Variant of Uncertain Significance.

Fulgent Genetics
Classification: Uncertain significance for Alstrom syndrome. Last evaluated: 2022-02-18. Review status: criteria provided, single submitter. Criteria: ACMG Guidelines, 2015. Collection method: clinical testing. Allele origin: unknown.

Natera, Inc.
Classification: Uncertain significance for Alstrom syndrome. Last evaluated: 2021-06-23. Review status: no assertion criteria provided. Collection method: clinical testing. Allele origin: germline. Not counted in ClinVar's aggregate classification.

Counsyl
Classification: Uncertain significance for Alstrom syndrome. Last evaluated: 2017-08-29. Review status: no assertion criteria provided. Collection method: clinical testing. Allele origin: unknown. Not counted in ClinVar's aggregate classification.

NM_001378454.1(ALMS1):c.9496G>A (p.Glu3166Lys)

Gene: ALMS1 (ALMS1 centrosome and basal body associated protein; plus strand). Cytogenetic location: 2p13.1.
Variant type: single nucleotide variant.
Coding change: c.9496G>A on transcript NM_001378454.1 (MANE Select); coding-DNA position 9496, G replaced by A.
Protein change: p.Glu3166Lys; replaces glutamic acid 3166 with lysine.
Molecular consequence: missense variant.
Genome position (GRCh38, 1-based): chr2:73,491,455, G>A. VCF-style: chr2-73491455-G-A. GRCh37 (hg19) VCF-style: chr2-73718582-G-A.
Other names: c.9499G>A, p.Glu3167Lys (NM_015120.4); short protein forms E3167K, E3166K.
Identifiers: ClinVar variation 553561 (VCV000553561.19), dbSNP rs201208516, ClinGen allele CA1714671.